The following is an entry in ClinVar:

NC_000003.12:g.186841714G>T

Genes: ADIPOQ (adiponectin, C1Q and collagen domain containing; plus strand), LOC106660625 (adiponectin enhancer region; plus strand). Cytogenetic location: 3q27.3.
Variant type: single nucleotide variant.
Genome position: GRCh38 VCF-style: chr3-186841714-G-T. GRCh37 (hg19) VCF-style: chr3-186559503-G-T.
Other names: ADIPOQ.
Identifiers: ClinVar variation 235098 (VCV000235098.3), dbSNP rs876661321, ClinGen allele CA10581226.

ClinVar aggregate classification (germline): risk factor (0 of 4 stars; one submission).

Conditions:
Adiponectin deficiency (ADPOD). Also called: HYPOADIPONECTINEMIA. Identifiers: MedGen C2675517, OMIM 612556.

Submission:

Laboratorio de Biomedicina, Instituto de Biotecnología de Misiones
Classification: risk factor for Adiponectin deficiency. Last evaluated: 2016-05-16. Review status: no assertion criteria provided. Collection method: research. Allele origin: unknown. Observed: 16 variant alleles, 16 heterozygotes. Study: Adiponectin Posadas.
Comment: ASSOCIATION WITH HYPOADIPONECTINEMIA